The following is an entry in ClinVar:

ClinVar aggregate classification (germline): Conflicting classifications of pathogenicity. Review status: criteria provided, conflicting classifications (1 of 4 stars). 4 submissions from 4 submitters: Uncertain significance (3); Likely benign (1). Last evaluated 2024-10-21.

Conditions:
Inborn genetic diseases. Identifiers: MedGen C0950123, MeSH D030342.
Developmental disorder. Identifiers: MedGen C0008073.

gnomAD v4.1: 1 of 1,613,970 alleles (0.000062%); no homozygotes.

Submissions (4):

Labcorp Genetics (formerly Invitae), Labcorp
Classification: Uncertain significance. Last evaluated: 2024-10-21. Review status: criteria provided, single submitter. Criteria: Invitae Variant Classification Sherloc (09022015). Collection method: clinical testing. Allele origin: germline.
Comment: This sequence change replaces tyrosine, which is neutral and polar, with cysteine, which is neutral and slightly polar, at codon 59 of the RAI1 protein (p.Tyr59Cys). This variant is not present in population databases (gnomAD no frequency). This variant has not been reported in the literature in individuals affected with RAI1-related conditions. ClinVar contains an entry for this variant (Variation ID: 1690710). Invitae Evidence Modeling of protein sequence and biophysical properties (such as structural, functional, and spatial information, amino acid conservation, physicochemical variation, residue mobility, and thermodynamic stability) indicates that this missense variant is not expected to disrupt RAI1 protein function with a negative predictive value of 80%. In summary, the available evidence is currently insufficient to determine the role of this variant in disease. Therefore, it has been classified as a Variant of Uncertain Significance.

Ambry Genetics
Classification: Uncertain significance for Inborn genetic diseases. Last evaluated: 2023-09-21. Review status: criteria provided, single submitter. Criteria: Ambry Variant Classification Scheme 2023. Collection method: clinical testing. Allele origin: germline.

Department of Genetics, Rouen University Hospital, Normandy Center for Genomic and Personalized Medicine
Classification: Likely benign for Developmental disorder. Last evaluated: 2022-09-29. Review status: criteria provided, single submitter. Criteria: ACMG Guidelines, 2015. Collection method: clinical testing. Allele origin: maternal. Affected: yes.

Laboratorio de Genetica e Diagnostico Molecular, Hospital Israelita Albert Einstein
Classification: Uncertain significance. Last evaluated: 2019-10-18. Review status: criteria provided, single submitter. Criteria: ACMG Guidelines, 2015. Collection method: clinical testing. Allele origin: germline. Affected: yes.
Comment: ACMG classification criteria: PM2

NM_030665.4(RAI1):c.176A>G (p.Tyr59Cys)

Gene: RAI1 (retinoic acid induced 1; plus strand). Cytogenetic location: 17p11.2.
Variant type: single nucleotide variant.
Coding change: c.176A>G on transcript NM_030665.4 (MANE Select); coding-DNA position 176, A replaced by G.
Protein change: p.Tyr59Cys; replaces tyrosine 59 with cysteine.
Molecular consequence: missense variant.
Genome position (GRCh38, 1-based): chr17:17,793,124, A>G. VCF-style: chr17-17793124-A-G. GRCh37 (hg19) VCF-style: chr17-17696438-A-G.
Other names: c.176A>G (NM_030665.3); short protein forms Y59C.
Identifiers: ClinVar variation 1690710 (VCV001690710.7), dbSNP rs1240460489, ClinGen allele CA398544915.